The following is an entry in ClinVar:

ClinVar aggregate classification (germline): Uncertain significance. Review status: criteria provided, multiple submitters, no conflicts (2 of 4 stars). 2 submissions from 2 submitters: Uncertain significance (2). Last evaluated 2025-10-29.

Allele frequency attached by ClinVar (database versions not stated): gnomAD 0.00001; gnomAD exomes 0.00002; ExAC 0.00005; ESP Exome Variant Server 0.00008.
gnomAD v4.1: 35 of 1,613,212 alleles (0.0022%); highest among the groups gnomAD compares: South Asian, 0.021%; no homozygotes.

Submissions (2):

Ambry Genetics
Classification: Uncertain significance. Last evaluated: 2025-10-29. Review status: criteria provided, single submitter. Criteria: Ambry Variant Classification Scheme 2023. Collection method: clinical testing. Allele origin: germline.

Labcorp Genetics (formerly Invitae), Labcorp
Classification: Uncertain significance. Last evaluated: 2025-05-16. Review status: criteria provided, single submitter. Criteria: Invitae Variant Classification Sherloc (09022015). Collection method: clinical testing. Allele origin: germline.
Comment: This sequence change replaces serine, which is neutral and polar, with leucine, which is neutral and non-polar, at codon 830 of the FAT2 protein (p.Ser830Leu). The frequency data for this variant in the population databases is considered unreliable, as metrics indicate poor data quality at this position in the gnomAD database. This variant has not been reported in the literature in individuals affected with FAT2-related conditions. ClinVar contains an entry for this variant (Variation ID: 1923286). Invitae Evidence Modeling of protein sequence and biophysical properties (such as structural, functional, and spatial information, amino acid conservation, physicochemical variation, residue mobility, and thermodynamic stability) indicates that this missense variant is not expected to disrupt FAT2 protein function with a negative predictive value of 80%. In summary, the available evidence is currently insufficient to determine the role of this variant in disease. Therefore, it has been classified as a Variant of Uncertain Significance.

NM_001447.3(FAT2):c.2489C>T (p.Ser830Leu)

Gene: FAT2 (FAT atypical cadherin 2; minus strand). Cytogenetic location: 5q33.1.
Variant type: single nucleotide variant.
Coding change: c.2489C>T on transcript NM_001447.3 (MANE Select); coding-DNA position 2489, C replaced by T.
Protein change: p.Ser830Leu; replaces serine 830 with leucine.
Molecular consequence: missense variant.
Genome position (GRCh38, 1-based): chr5:151,566,443, G>A on the plus strand (C>T on the coding strand, the complement: FAT2 is on the minus strand). VCF-style: chr5-151566443-G-A. GRCh37 (hg19) VCF-style: chr5-150946004-G-A.
Other names: c.2489C>T (NM_001447.2); short protein forms S830L.
Identifiers: ClinVar variation 1923286 (VCV001923286.6), dbSNP rs373851434, ClinGen allele CA3522060.